The following is an entry in ClinVar:

ClinVar aggregate classification (germline): Uncertain significance (1 of 4 stars; one submission).

gnomAD v4.1: 2 of 1,613,832 alleles (0.00012%); highest among the groups gnomAD compares: African/African-American, 0.0013%; no homozygotes.

Submission:

Labcorp Genetics (formerly Invitae), Labcorp
Classification: Uncertain significance. Last evaluated: 2026-01-23. Review status: criteria provided, single submitter. Criteria: Invitae Variant Classification Sherloc (09022015). Collection method: clinical testing. Allele origin: germline.
Comment: This sequence change replaces glutamic acid, which is acidic and polar, with lysine, which is basic and polar, at codon 682 of the COL9A2 protein (p.Glu682Lys). This variant is not present in population databases (gnomAD no frequency). This variant has not been reported in the literature in individuals affected with COL9A2-related conditions. Invitae Evidence Modeling of protein sequence and biophysical properties (such as structural, functional, and spatial information, amino acid conservation, physicochemical variation, residue mobility, and thermodynamic stability) indicates that this missense variant is not expected to disrupt COL9A2 protein function with a negative predictive value of 95%. In summary, the available evidence is currently insufficient to determine the role of this variant in disease. Therefore, it has been classified as a Variant of Uncertain Significance.

NM_001852.4(COL9A2):c.2044G>A (p.Glu682Lys)

Gene: COL9A2 (collagen type IX alpha 2 chain; minus strand). Cytogenetic location: 1p34.2.
Variant type: single nucleotide variant.
Coding change: c.2044G>A on transcript NM_001852.4 (MANE Select); coding-DNA position 2044, G replaced by A.
Protein change: p.Glu682Lys; replaces glutamic acid 682 with lysine.
Molecular consequence: missense variant.
Genome position (GRCh38, 1-based): chr1:40,301,208, C>T on the plus strand (G>A on the coding strand, the complement: COL9A2 is on the minus strand). VCF-style: chr1-40301208-C-T. GRCh37 (hg19) VCF-style: chr1-40766880-C-T.
Other names: short protein forms E682K.
Identifiers: ClinVar variation 4768775 (VCV004768775.1).